The following is an entry in ClinVar:

NM_001365276.2(TNXB):c.9610G>A (p.Asp3204Asn)

Gene: TNXB (tenascin XB; minus strand). Cytogenetic location: 6p21.33.
Variant type: single nucleotide variant.
Coding change: c.9610G>A on transcript NM_001365276.2 (MANE Select); coding-DNA position 9610, G replaced by A.
Protein change: p.Asp3204Asn; replaces aspartic acid 3204 with asparagine.
Molecular consequence: missense variant.
Genome position (GRCh38, 1-based): chr6:32,049,417, C>T on the plus strand (G>A on the coding strand, the complement: TNXB is on the minus strand). VCF-style: chr6-32049417-C-T. GRCh37 (hg19) VCF-style: chr6-32017194-C-T.
Other names: c.10351G>A, p.Asp3451Asn (NM_001428335.1); c.9604G>A, p.Asp3202Asn (NM_019105.8); short protein forms D3202N, D3204N, D3451N.
Identifiers: ClinVar variation 3972047 (VCV003972047.1).

ClinVar aggregate classification (germline): Uncertain significance (1 of 4 stars; one submission).

Conditions:
Cardiovascular phenotype. Identifiers: MedGen CN230736.

Submission:

Ambry Genetics
Classification: Uncertain significance for Cardiovascular phenotype. Last evaluated: 2025-06-01. Review status: criteria provided, single submitter. Criteria: Ambry Variant Classification Scheme 2023. Collection method: clinical testing. Allele origin: germline.
Comment: The p.D3202N variant (also known as c.9604G>A), located in coding exon 27 of the TNXB gene, results from a G to A substitution at nucleotide position 9604. The aspartic acid at codon 3202 is replaced by asparagine, an amino acid with highly similar properties. This amino acid position is conserved. In addition, this alteration is predicted to be tolerated by in silico analysis. Based on the available evidence, the clinical significance of this variant remains unclear.